The following is an entry in ClinVar:

NM_016219.5(MAN1B1):c.1241del (p.Asp414fs)

Gene: MAN1B1 (mannosidase alpha class 1B member 1; plus strand). Cytogenetic location: 9q34.3.
Variant type: Deletion.
Coding change: c.1241del on transcript NM_016219.5 (MANE Select); coding-DNA position 1241, one base deleted (A; older notation c.1241delA).
Protein change: p.Asp414fs; shifts the reading frame from aspartic acid 414.
Molecular consequence: frameshift variant. On other transcripts: non-coding transcript variant (2).
Genome position (GRCh38, 1-based): chr9:137,101,659, A deleted. VCF-style (leftmost placement, unchanged base first): chr9-137101658-GA-G. GRCh37 (hg19) VCF-style: chr9-139996110-GA-G.
Other names: c.1133delA, p.Asp378Valfs (NM_007230.1); short protein forms D414fs.
Identifiers: ClinVar variation 2791167 (VCV002791167.3), dbSNP rs2538339133, ClinGen allele CA2739265226.

ClinVar aggregate classification (germline): Pathogenic (1 of 4 stars; one submission).

Conditions:
Rafiq syndrome (RAFQS). Identifiers: Orphanet 88616, MedGen C3280127, MONDO:0013624, OMIM 614202.

Submission:

Labcorp Genetics (formerly Invitae), Labcorp
Classification: Pathogenic for Rafiq syndrome. Last evaluated: 2023-01-31. Review status: criteria provided, single submitter. Criteria: Invitae Variant Classification Sherloc (09022015). Collection method: clinical testing. Allele origin: germline.
Comment: For these reasons, this variant has been classified as Pathogenic. Algorithms developed to predict the effect of sequence changes on RNA splicing suggest that this variant may create or strengthen a splice site. This variant has not been reported in the literature in individuals affected with MAN1B1-related conditions. This variant is not present in population databases (gnomAD no frequency). This sequence change creates a premature translational stop signal (p.Asp414Valfs*11) in the MAN1B1 gene. It is expected to result in an absent or disrupted protein product. Loss-of-function variants in MAN1B1 are known to be pathogenic (PMID: 24566669).

Literature cited by the submitters: PubMed 24566669.